The following is an entry in ClinVar:

NM_001252024.2(TRPM1):c.494-35_518dup

Gene: TRPM1 (transient receptor potential cation channel subfamily M member 1; minus strand). Cytogenetic location: 15q13.3.
Variant type: Duplication.
Coding change: c.494-35_518dup on transcript NM_001252024.2 (MANE Select); 35 bases into the intron before coding-DNA position 494 through coding-DNA position 518, 60 bases duplicated.
Molecular consequence: splice acceptor variant.
Genome position (GRCh38, 1-based): chr15:31,067,163-31,067,222, 60 bases duplicated. GRCh37 (hg19): chr15:31,359,366-31,359,425.
Other names: c.545-35_569dup (NM_001252020.2); c.428-35_452dup (NM_002420.6).
Identifiers: ClinVar variation 1429560 (VCV001429560.5), dbSNP rs1567030437, ClinGen allele CA7452921.

ClinVar aggregate classification (germline): Uncertain significance. Review status: criteria provided, multiple submitters, no conflicts (2 of 4 stars). 2 submissions from 2 submitters: Uncertain significance (2). Last evaluated 2022-07-26.

Allele frequency attached by ClinVar (database versions not stated): gnomAD exomes 0.00001.

Submissions (2):

Blueprint Genetics
Classification: Uncertain significance. Last evaluated: 2022-07-26. Review status: criteria provided, single submitter. Criteria: ACMG Guidelines, 2015. Collection method: clinical testing. Allele origin: germline.

Labcorp Genetics (formerly Invitae), Labcorp
Classification: Uncertain significance. Last evaluated: 2021-11-27. Review status: criteria provided, single submitter. Criteria: Invitae Variant Classification Sherloc (09022015). Collection method: clinical testing. Allele origin: germline.
Comment: In summary, the available evidence is currently insufficient to determine the role of this variant in disease. Therefore, it has been classified as a Variant of Uncertain Significance. Algorithms developed to predict the effect of sequence changes on RNA splicing suggest that this variant may create or strengthen a splice site. This variant has not been reported in the literature in individuals affected with TRPM1-related conditions. This variant is present in population databases (no rsID available, gnomAD 0.01%). This sequence change falls in intron 4 of the TRPM1 gene. It does not directly change the encoded amino acid sequence of the TRPM1 protein.